The following is an entry in ClinVar:

NM_020975.6(RET):c.2550C>G (p.Asp850Glu)

Gene: RET (ret proto-oncogene; plus strand). Cytogenetic location: 10q11.21.
Variant type: single nucleotide variant.
Coding change: c.2550C>G on transcript NM_020975.6 (MANE Select); coding-DNA position 2550, C replaced by G.
Protein change: p.Asp850Glu; replaces aspartic acid 850 with glutamic acid.
Molecular consequence: missense variant.
Genome position (GRCh38, 1-based): chr10:43,119,688, C>G. VCF-style: chr10-43119688-C-G. GRCh37 (hg19) VCF-style: chr10-43615136-C-G.
Other names: c.2550C>G, p.Asp850Glu (NM_000323.2, NM_001406743.1, NM_001406744.1 and 4 more transcripts); c.1788C>G, p.Asp596Glu (NM_001355216.2); c.2421C>G, p.Asp807Glu (NM_001406761.1, NM_001406762.1, NM_001406764.1); c.2415C>G, p.Asp805Glu (NM_001406763.1, NM_001406765.1); c.2262C>G, p.Asp754Glu (NM_001406766.1, NM_001406767.1, NM_001406770.1); c.2286C>G, p.Asp762Glu (NM_001406768.1); c.2154C>G, p.Asp718Glu (NM_001406769.1, NM_001406772.1); c.2112C>G, p.Asp704Glu (NM_001406771.1, NM_001406773.1); and 10 more; short protein forms D850E, D596E, D367E, D608E, D675E, D718E, D506E, D511E.
Identifiers: ClinVar variation 937433 (VCV000937433.11), dbSNP rs1838163222, ClinGen allele CA376556548.

ClinVar aggregate classification (germline): Uncertain significance. Review status: criteria provided, multiple submitters, no conflicts (2 of 4 stars). 2 submissions from 2 submitters: Uncertain significance (2). Last evaluated 2026-01-20.

Conditions:
Hereditary cancer-predisposing syndrome. Also called: Tumor predisposition; Hereditary neoplastic syndrome; Hereditary Cancer Syndrome; Neoplastic Syndromes, Hereditary. Identifiers: Orphanet 140162, MedGen C0027672, MeSH D009386, MONDO:0015356.
Multiple endocrine neoplasia, type 2 (MEN2). Identifiers: Orphanet 653, MedGen C4048306, MONDO:0019003. Disease mechanism: gain of function.

Submissions (2):

Labcorp Genetics (formerly Invitae), Labcorp
Classification: Uncertain significance for Multiple endocrine neoplasia, type 2. Last evaluated: 2026-01-20. Review status: criteria provided, single submitter. Criteria: Invitae Variant Classification Sherloc (09022015). Collection method: clinical testing. Allele origin: germline.
Comment: This sequence change replaces aspartic acid, which is acidic and polar, with glutamic acid, which is acidic and polar, at codon 850 of the RET protein (p.Asp850Glu). This variant is not present in population databases (gnomAD no frequency). This missense change has been observed in individual(s) with Hirschsprung disease (PMID: 22648184). ClinVar contains an entry for this variant (Variation ID: 937433). An algorithm developed to predict the effect of missense changes on protein structure and function (PolyPhen-2) suggests that this variant is likely to be disruptive. In summary, the available evidence is currently insufficient to determine the role of this variant in disease. Therefore, it has been classified as a Variant of Uncertain Significance.

Ambry Genetics
Classification: Uncertain significance for Hereditary cancer-predisposing syndrome. Last evaluated: 2025-04-02. Review status: criteria provided, single submitter. Criteria: Ambry Variant Classification Scheme 2023. Collection method: clinical testing. Allele origin: germline.
Comment: The p.D850E variant (also known as c.2550C>G), located in coding exon 14 of the RET gene, results from a C to G substitution at nucleotide position 2550. The aspartic acid at codon 850 is replaced by glutamic acid, an amino acid with highly similar properties. This variant was identified in an individual diagnosed with Hirschsprung's disease (Carter TC et al. J Hum Genet, 2012 Aug;57:485-93). This amino acid position is highly conserved in available vertebrate species. In addition, the in silico prediction for this alteration is inconclusive. Based on the available evidence, the clinical significance of this variant remains unclear.

Literature cited by the submitters: PubMed 22648184 (cited by Labcorp Genetics (formerly Invitae), Labcorp and Ambry Genetics).